The following is an entry in ClinVar:

ClinVar aggregate classification (germline): Uncertain significance (1 of 4 stars; one submission).

Conditions:
Hereditary cancer-predisposing syndrome. Also called: Neoplastic Syndromes, Hereditary; Tumor predisposition; Hereditary Cancer Syndrome; Hereditary neoplastic syndrome. Identifiers: Orphanet 140162, MedGen C0027672, MeSH D009386, MONDO:0015356.

Submission:

Ambry Genetics
Classification: Uncertain significance for Hereditary cancer-predisposing syndrome. Last evaluated: 2025-12-21. Review status: criteria provided, single submitter. Criteria: Ambry Variant Classification Scheme 2023. Collection method: clinical testing. Allele origin: germline.
Comment: The p.N862T variant (also known as c.2585A>C), located in coding exon 15 of the APC gene, results from an A to C substitution at nucleotide position 2585. The asparagine at codon 862 is replaced by threonine, an amino acid with similar properties. This amino acid position is conserved. In addition, in silico predictors for this gene do not accurately predict pathogenicity. Based on the available evidence, the clinical significance of this variant remains unclear.

NM_000038.6(APC):c.2585A>C (p.Asn862Thr)

Gene: APC (APC regulator of Wnt signaling pathway; plus strand). Cytogenetic location: 5q22.2.
Variant type: single nucleotide variant.
Coding change: c.2585A>C on transcript NM_000038.6 (MANE Select); coding-DNA position 2585, A replaced by C.
Protein change: p.Asn862Thr; replaces asparagine 862 with threonine.
Molecular consequence: missense variant. On other transcripts: non-coding transcript variant (2).
Genome position (GRCh38, 1-based): chr5:112,838,179, A>C. VCF-style: chr5-112838179-A-C. GRCh37 (hg19) VCF-style: chr5-112173876-A-C.
Other names: c.2639A>C, p.Asn880Thr (NM_001354896.2, NM_001407447.1, NM_001407448.1 and 1 more transcripts); c.2615A>C, p.Asn872Thr (NM_001354897.2); c.2510A>C, p.Asn837Thr (NM_001354898.2); c.2501A>C, p.Asn834Thr (NM_001354899.2); c.2462A>C, p.Asn821Thr (NM_001354900.2); c.2408A>C, p.Asn803Thr (NM_001354901.2, NM_001407453.1); c.2312A>C, p.Asn771Thr (NM_001354902.2); c.2282A>C, p.Asn761Thr (NM_001354903.2, NM_001407458.1, NM_001407459.1 and 1 more transcripts); and 11 more; short protein forms N478T, N702T, N837T, N733T, N779T, N872T, N890T, N736T.
Identifiers: ClinVar variation 4843519 (VCV004843519.1).